The following is an entry in ClinVar:

ClinVar aggregate classification (germline): Benign. Review status: criteria provided, multiple submitters, no conflicts (2 of 4 stars). 2 submissions from 2 submitters: Benign (2). Last evaluated 2019-12-31.

Conditions:
Long QT syndrome (LQTS). Identifiers: MedGen C0023976, MeSH D008133, MONDO:0002442. Disease mechanism: loss of function. Inheritance: Various modes of inheritance.

Allele frequency attached by ClinVar (database versions not stated): gnomAD 0.26200 and 0.26025; TOPMed 0.29146; 1000 Genomes Project 0.36302; 1000 Genomes Project 30x 0.36977.
gnomAD v4.1: 39,599 of 152,058 alleles (26%); highest among the groups gnomAD compares: East Asian, 59%; 6,969 homozygotes.

Submissions (2):

Labcorp Genetics (formerly Invitae), Labcorp
Classification: Benign for Long QT syndrome. Last evaluated: 2019-12-31. Review status: criteria provided, single submitter. Criteria: Invitae Variant Classification Sherloc (09022015). Collection method: clinical testing. Allele origin: germline.

GeneDx
Classification: Benign. Last evaluated: 2018-06-19. Review status: criteria provided, single submitter. Criteria: GeneDx Variant Classification (06012015). Collection method: clinical testing. Allele origin: germline. Affected: yes.
Comment: This variant is considered likely benign or benign based on one or more of the following criteria: it is a conservative change, it occurs at a poorly conserved position in the protein, it is predicted to be benign by multiple in silico algorithms, and/or has population frequency not consistent with disease.

NM_000719.7(CACNA1C):c.1390+243T>C

Gene: CACNA1C (calcium voltage-gated channel subunit alpha1 C; plus strand). Cytogenetic location: 12p13.33.
Variant type: single nucleotide variant.
Coding change: c.1390+243T>C on transcript NM_000719.7 (MANE Select); 243 bases into the intron after coding-DNA position 1390, T replaced by C.
Molecular consequence: intron variant.
Genome position (GRCh38, 1-based): chr12:2,513,227, T>C. VCF-style: chr12-2513227-T-C. GRCh37 (hg19) VCF-style: chr12-2622393-T-C.
Other names: c.1390+243T>C (NM_001167624.3, NM_001167623.2, NM_001167625.2 and 18 more transcripts); c.1381+243T>C (NM_001129844.2).
Identifiers: ClinVar variation 678061 (VCV000678061.5), dbSNP rs2239100, ClinGen allele CA13680650.